The following is an entry in ClinVar:

NC_000021.8:g.(?_38269150)_(38269441_?)del

Gene: HLCS (holocarboxylase synthetase; minus strand). Cytogenetic location: 21q22.13.
Variant type: Deletion.
Identifiers: ClinVar variation 2423039 (VCV002423039.2).

ClinVar aggregate classification (germline): Pathogenic (1 of 4 stars; one submission).

Conditions:
Holocarboxylase synthetase deficiency. Also called: MULTIPLE CARBOXYLASE DEFICIENCY, EARLY ONSET. Identifiers: Orphanet 79242, MedGen C0268581, MONDO:0009666, OMIM 253270.

Submission:

Labcorp Genetics (formerly Invitae), Labcorp
Classification: Pathogenic for Holocarboxylase synthetase deficiency. Last evaluated: 2022-08-21. Review status: criteria provided, single submitter. Criteria: Invitae Variant Classification Sherloc (09022015). Collection method: clinical testing. Allele origin: germline.
Comment: This variant is a gross deletion of the genomic region encompassing exon(s) 7 of the HLCS gene. This deletion is out-of-frame, and is expected to create a premature termination codon and result in an absent or disrupted protein product. Loss-of-function variants in HLCS are known to be pathogenic (PMID: 16134170). This variant has not been reported in the literature in individuals affected with HLCS-related conditions. For these reasons, this variant has been classified as Pathogenic.

Literature cited by the submitters: PubMed 16134170.